The following is an entry in ClinVar:

ClinVar aggregate classification (germline): Pathogenic. Review status: criteria provided, multiple submitters, no conflicts (2 of 4 stars). 4 submissions from 4 submitters: Pathogenic (4). Last evaluated 2026-01-12.

Conditions:
Fanconi anemia complementation group J. Also called: BRIP1-Related Fanconi Anemia. Identifiers: Orphanet 84, MedGen C1836860, MONDO:0012187, OMIM 609054.
Familial cancer of breast. Also called: BREAST CANCER, FAMILIAL; hereditary breast carcinoma; Hereditary breast cancer. Identifiers: Orphanet 227535, MedGen C0346153, MONDO:0016419, OMIM 114480. Disease mechanism: loss of function.
Hereditary cancer-predisposing syndrome. Also called: Neoplastic Syndromes, Hereditary; Hereditary neoplastic syndrome; Tumor predisposition; Hereditary Cancer Syndrome. Identifiers: Orphanet 140162, MedGen C0027672, MeSH D009386, MONDO:0015356.

Submissions (4):

Labcorp Genetics (formerly Invitae), Labcorp
Classification: Pathogenic for Familial cancer of breast; Fanconi anemia complementation group J. Last evaluated: 2026-01-12. Review status: criteria provided, single submitter. Criteria: Invitae Variant Classification Sherloc (09022015). Collection method: clinical testing. Allele origin: germline.
Comment: This sequence change creates a premature translational stop signal (p.Trp863*) in the BRIP1 gene. It is expected to result in an absent or disrupted protein product. Loss-of-function variants in BRIP1 are known to be pathogenic (PMID: 16116423, 17033622, 21964575). This variant is not present in population databases (gnomAD no frequency). This variant has not been reported in the literature in individuals affected with BRIP1-related conditions. ClinVar contains an entry for this variant (Variation ID: 530353). For these reasons, this variant has been classified as Pathogenic.

Ambry Genetics
Classification: Pathogenic for Hereditary cancer-predisposing syndrome. Last evaluated: 2025-03-06. Review status: criteria provided, single submitter. Criteria: Ambry Variant Classification Scheme 2023. Collection method: clinical testing. Allele origin: germline.
Comment: The p.W863* pathogenic mutation (also known as c.2589G>A), located in coding exon 18 of the BRIP1 gene, results from a G to A substitution at nucleotide position 2589. This changes the amino acid from a tryptophan to a stop codon within coding exon 18. This variant is considered to be rare based on population cohorts in the Genome Aggregation Database (gnomAD). This alteration is expected to result in loss of function by premature protein truncation or nonsense-mediated mRNA decay. As such, this alteration is interpreted as a disease-causing mutation.

Myriad Genetics, Inc.
Classification: Pathogenic for Familial cancer of breast. Last evaluated: 2023-06-07. Review status: criteria provided, single submitter. Criteria: Myriad Autosomal Dominant, Autosomal Recessive and X-Linked Classification Criteria (2023). Collection method: clinical testing. Allele origin: unknown.
Comment: This variant is considered pathogenic. This variant creates a termination codon and is predicted to result in premature protein truncation.

Color Diagnostics, LLC DBA Color Health
Classification: Pathogenic for Hereditary cancer-predisposing syndrome. Last evaluated: 2020-09-14. Review status: criteria provided, single submitter. Criteria: ACMG Guidelines, 2015. Collection method: clinical testing. Allele origin: germline.
Comment: This variant changes 1 nucleotide in exon 19 of the BRIP1 gene, creating a premature translation stop signal. This variant is expected to result in an absent or non-functional protein product. To our knowledge, this variant has not been reported in individuals affected with hereditary cancer in the literature. This variant has not been identified in the general population by the Genome Aggregation Database (gnomAD). Loss of BRIP1 function is a known mechanism of disease. Based on the available evidence, this variant is classified as Pathogenic.

Literature cited by the submitters: PubMed 16116423 (cited by Labcorp Genetics (formerly Invitae), Labcorp); PubMed 17033622 (cited by Labcorp Genetics (formerly Invitae), Labcorp); PubMed 21964575 (cited by Labcorp Genetics (formerly Invitae), Labcorp).

NM_032043.3(BRIP1):c.2589G>A (p.Trp863Ter)

Gene: BRIP1 (BRCA1 interacting DNA helicase 1; minus strand). Cytogenetic location: 17q23.2.
Variant type: single nucleotide variant.
Coding change: c.2589G>A on transcript NM_032043.3 (MANE Select); coding-DNA position 2589, G replaced by A.
Protein change: p.Trp863Ter; replaces tryptophan 863 with a stop codon.
Molecular consequence: nonsense.
Genome position (GRCh38, 1-based): chr17:61,686,152, C>T on the plus strand (G>A on the coding strand, the complement: BRIP1 is on the minus strand). VCF-style: chr17-61686152-C-T. GRCh37 (hg19) VCF-style: chr17-59763513-C-T.
Other names: short protein forms W863*.
Identifiers: ClinVar variation 530353 (VCV000530353.14), dbSNP rs1555573497, ClinGen allele CA400481991.
Genomic context (GRCh38, chr17:61,686,152, plus strand): 5'-TTCAGCCAAGGATTCCAGTGCACTTTCAAAGGTTGAATGGTGCTGAATCTGCTGCCGTAC[C>T]CATTTAGAAAGTCCTAAAGAAAAAGGTAAACCCAGGGAAAATTTGGTTACTTAGTTATTA-3'